The following is an entry in ClinVar:

NM_001166108.2(PALLD):c.850G>A (p.Glu284Lys)

Gene: PALLD (palladin, cytoskeletal associated protein; plus strand). Cytogenetic location: 4q32.3.
Variant type: single nucleotide variant.
Coding change: c.850G>A on transcript NM_001166108.2 (MANE Select); coding-DNA position 850, G replaced by A.
Protein change: p.Glu284Lys; replaces glutamic acid 284 with lysine.
Molecular consequence: missense variant.
Genome position (GRCh38, 1-based): chr4:168,512,354, G>A. VCF-style: chr4-168512354-G-A. GRCh37 (hg19) VCF-style: chr4-169433505-G-A.
Other names: c.850G>A, p.Glu284Lys (NM_016081.4); short protein forms E284K.
Identifiers: ClinVar variation 2448506 (VCV002448506.2), dbSNP rs1008478857, ClinGen allele CA109883927.
Genomic context (GRCh38, chr4:168,512,354, plus strand): 5'-GCCCTCCACTTCCCAGCTGCACCTCGATTCATCCAAAAGCTGAGGAGCCAAGAAGTAGCA[G>A]AAGGGAGCCGAGTTTATCTGGAGTGTAGAGTCACTGGAAACCCCACTCCTCGAGTCAGGT-3'
Protein context (NP_001159580.1, residues 274-294): IQKLRSQEVA[Glu284Lys]GSRVYLECRV

ClinVar aggregate classification (germline): Uncertain significance (1 of 4 stars; one submission).

Allele frequency attached by ClinVar (database versions not stated): gnomAD 0.00001; TOPMed 0.00001.
gnomAD v4.1: 1 of 1,613,942 alleles (0.000062%); highest among the groups gnomAD compares: Non-Finnish European, 0.000085%; no homozygotes.

Submission:

Ambry Genetics
Classification: Uncertain significance. Last evaluated: 2023-02-28. Review status: criteria provided, single submitter. Criteria: Ambry Variant Classification Scheme 2023. Collection method: clinical testing. Allele origin: germline.
Comment: The p.E284K variant (also known as c.850G>A), located in coding exon 1 of the PALLD gene, results from a G to A substitution at nucleotide position 850. The glutamic acid at codon 284 is replaced by lysine, an amino acid with similar properties. This amino acid position is conserved. In addition, the in silico prediction for this alteration is inconclusive. Since supporting evidence is limited at this time, the clinical significance of this alteration remains unclear.